The following is an entry in ClinVar:

ClinVar aggregate classification (germline): Uncertain significance. Review status: criteria provided, single submitter (1 of 4 stars). 2 submissions from 2 submitters: Uncertain significance (1). 1 of the submissions does not count toward it. Last evaluated 2018-01-13.

Conditions:
SYNE2-related disorder. Also called: SYNE2-related condition.
Emery-Dreifuss muscular dystrophy 5, autosomal dominant (EDMD5). Also called: EMERY-DREIFUSS MUSCULAR DYSTROPHY 5. Identifiers: Orphanet 261, MedGen C2751805, MONDO:0013072, OMIM 612999.

Allele frequency attached by ClinVar (database versions not stated): ExAC 0.00001.
gnomAD v4.1: 3 of 1,614,062 alleles (0.00019%); no homozygotes.

Submissions (2):

Illumina Laboratory Services, Illumina
Classification: Uncertain significance for Emery-Dreifuss muscular dystrophy 5, autosomal dominant. Last evaluated: 2018-01-13. Review status: criteria provided, single submitter. Criteria: ICSL Variant Classification Criteria 13 December 2019. Collection method: clinical testing. Allele origin: germline.

PreventionGenetics, part of Exact Sciences
Classification: Uncertain significance for SYNE2-related condition. Last evaluated: 2024-05-06. Review status: no assertion criteria provided. Collection method: clinical testing. Allele origin: germline. Not counted in ClinVar's aggregate classification.
Comment: The SYNE2 c.15263C>A variant is predicted to result in the amino acid substitution p.Pro5088Gln. To our knowledge, this variant has not been reported in the literature or in a large population database, indicating this variant is rare. At this time, the clinical significance of this variant is uncertain due to the absence of conclusive functional and genetic evidence.

NM_182914.3(SYNE2):c.15263C>A (p.Pro5088Gln)

Gene: SYNE2 (spectrin repeat containing nuclear envelope protein 2; plus strand). Cytogenetic location: 14q23.2.
Variant type: single nucleotide variant.
Coding change: c.15263C>A on transcript NM_182914.3 (MANE Select); coding-DNA position 15263, C replaced by A.
Protein change: p.Pro5088Gln; replaces proline 5088 with glutamine.
Molecular consequence: missense variant.
Genome position (GRCh38, 1-based): chr14:64,142,045, C>A. VCF-style: chr14-64142045-C-A. GRCh37 (hg19) VCF-style: chr14-64608763-C-A.
Other names: c.15263C>A, p.Pro5088Gln (NM_015180.6); short protein forms P5088Q.
Identifiers: ClinVar variation 313608 (VCV000313608.6), dbSNP rs779934215, ClinGen allele CA7223032.